The following is an entry in ClinVar:

NM_002900.3(RBP3):c.1071G>T (p.Met357Ile)

Gene: RBP3 (retinol binding protein 3; plus strand). Cytogenetic location: 10q11.22.
Variant type: single nucleotide variant.
Coding change: c.1071G>T on transcript NM_002900.3 (MANE Select); coding-DNA position 1071, G replaced by T.
Protein change: p.Met357Ile; replaces methionine 357 with isoleucine.
Molecular consequence: missense variant.
Genome position (GRCh38, 1-based): chr10:47,349,555, G>T. VCF-style: chr10-47349555-G-T. GRCh37 (hg19) VCF-style: chr10-48389807-C-A.
Other names: short protein forms M357I.
Identifiers: ClinVar variation 1918237 (VCV001918237.2), dbSNP rs2549028256, ClinGen allele CA376668332.
Genomic context (GRCh38, chr10:47,349,555, plus strand): 5'-GAAGGACTACTACACGCTGGTGGACCGTGTGCCCACCCTGCTGCAGCACTTGGCCAGCAT[G>T]GACTTCTCCACGGTGGTCTCCGAGGAAGATCTGGTCACCAAGCTCAATGCCGGCCTGCAG-3'
Protein context (NP_002891.1, residues 347-367): VPTLLQHLAS[Met357Ile]DFSTVVSEED

ClinVar aggregate classification (germline): Uncertain significance (1 of 4 stars; one submission).

Allele frequency attached by ClinVar (database versions not stated): gnomAD exomes below 0.00001.
gnomAD v4.1: 1 of 1,613,066 alleles (0.000062%); highest among the groups gnomAD compares: Non-Finnish European, 0.000085%; no homozygotes.

Submission:

Labcorp Genetics (formerly Invitae), Labcorp
Classification: Uncertain significance. Last evaluated: 2022-05-19. Review status: criteria provided, single submitter. Criteria: Invitae Variant Classification Sherloc (09022015). Collection method: clinical testing. Allele origin: germline.
Comment: This sequence change replaces methionine, which is neutral and non-polar, with isoleucine, which is neutral and non-polar, at codon 357 of the RBP3 protein (p.Met357Ile). This variant is not present in population databases (gnomAD no frequency). This variant has not been reported in the literature in individuals affected with RBP3-related conditions. Algorithms developed to predict the effect of missense changes on protein structure and function output the following: SIFT: "Tolerated"; PolyPhen-2: "Benign"; Align-GVGD: "Class C0". The isoleucine amino acid residue is found in multiple mammalian species, which suggests that this missense change does not adversely affect protein function. In summary, the available evidence is currently insufficient to determine the role of this variant in disease. Therefore, it has been classified as a Variant of Uncertain Significance.